The following is an entry in ClinVar:

NM_001134363.3(RBM20):c.1338-1G>T

Gene: RBM20 (RNA binding motif protein 20; plus strand). Cytogenetic location: 10q25.2.
Variant type: single nucleotide variant.
Coding change: c.1338-1G>T on transcript NM_001134363.3 (MANE Select); the canonical splice acceptor site of the intron before coding-DNA position 1338, G replaced by T.
Molecular consequence: splice acceptor variant.
Genome position (GRCh38, 1-based): chr10:110,784,340, G>T. VCF-style: chr10-110784340-G-T. GRCh37 (hg19) VCF-style: chr10-112544098-G-T.
Identifiers: ClinVar variation 520537 (VCV000520537.14), dbSNP rs1265727354, ClinGen allele CA378387542.

ClinVar aggregate classification (germline): Conflicting classifications of pathogenicity. Review status: criteria provided, conflicting classifications (1 of 4 stars). 4 submissions from 4 submitters: Likely pathogenic (2); Uncertain significance (2). Last evaluated 2025-12-08.

Conditions:
Cardiovascular phenotype. Identifiers: MedGen CN230736.
Dilated cardiomyopathy 1DD (CMD1DD). Identifiers: Orphanet 154, MedGen C2750995, MONDO:0013168, OMIM 613172.

Allele frequency attached by ClinVar (database versions not stated): TOPMed 0.00001; gnomAD 0.00002.
gnomAD v4.1: 16 of 1,550,030 alleles (0.001%); highest among the groups gnomAD compares: African/African-American, 0.0014%; no homozygotes.

Submissions (4):

Labcorp Genetics (formerly Invitae), Labcorp
Classification: Likely pathogenic for Dilated cardiomyopathy 1DD. Last evaluated: 2025-12-08. Review status: criteria provided, single submitter. Criteria: Invitae Variant Classification Sherloc (09022015). Collection method: clinical testing. Allele origin: germline.
Comment: This sequence change affects an acceptor splice site in intron 3 of the RBM20 gene. It is expected to disrupt RNA splicing. Variants that disrupt the donor or acceptor splice site typically lead to a loss of protein function (PMID: 16199547), and loss-of-function variants in RBM20 are known to be pathogenic (PMID: 20590677, 22004663, 38288598, 38510713, 40339755). This variant is not present in population databases (gnomAD no frequency). Disruption of this splice site has been observed in individual(s) with idiopathic ventricular fibrillation (PMID: 35352813). ClinVar contains an entry for this variant (Variation ID: 520537). Algorithms developed to predict the effect of sequence changes on RNA splicing suggest that this variant may disrupt the consensus splice site. In summary, the currently available evidence indicates that the variant is pathogenic, but additional data are needed to prove that conclusively. Therefore, this variant has been classified as Likely Pathogenic.

Ambry Genetics
Classification: Uncertain significance for Cardiovascular phenotype. Last evaluated: 2025-08-25. Review status: criteria provided, single submitter. Criteria: Ambry Variant Classification Scheme 2023. Collection method: clinical testing. Allele origin: germline.
Comment: The c.1338-1G>T intronic variant results from a G to T substitution one nucleotide before coding exon 4 of the RBM20 gene. This nucleotide position is highly conserved in available vertebrate species. In silico splice site analysis predicts that this alteration will weaken the native splice acceptor site. Alterations that disrupt the canonical splice site are expected to cause aberrant splicing, resulting in an abnormal protein or a transcript that is subject to nonsense-mediated mRNA decay. However, loss of function of RBM20 has not been established as a mechanism of disease. Based on the available evidence, the clinical significance of this alteration remains unclear.

GeneDx
Classification: Uncertain significance. Last evaluated: 2025-06-02. Review status: criteria provided, single submitter. Criteria: GeneDx Variant Classification Process June 2021. Collection method: clinical testing. Allele origin: germline.
Comment: Identified in a patient with unexplained cardiac arrest in published literature (PMID: 35352813); Canonical splice site variant in a gene or region of a gene for which loss of function is not a well-established mechanism of disease; Not observed at significant frequency in large population cohorts (gnomAD); This variant is associated with the following publications: (PMID: 35352813)

Molecular Diagnostic Laboratory for Inherited Cardiovascular Disease, Montreal Heart Institute
Classification: Likely pathogenic for Cardiovascular phenotype. Last evaluated: 2023-05-15. Review status: criteria provided, single submitter. Criteria: ACMG Guidelines, 2015. Collection method: clinical testing. Allele origin: germline. Affected: yes.

Literature cited by the submitters: PubMed 16199547 (cited by Labcorp Genetics (formerly Invitae), Labcorp); PubMed 20590677 (cited by Labcorp Genetics (formerly Invitae), Labcorp); PubMed 22004663 (cited by Labcorp Genetics (formerly Invitae), Labcorp); PubMed 38288598 (cited by Labcorp Genetics (formerly Invitae), Labcorp); PubMed 38510713 (cited by Labcorp Genetics (formerly Invitae), Labcorp); PubMed 40339755 (cited by Labcorp Genetics (formerly Invitae), Labcorp); PubMed 35352813 (cited by Labcorp Genetics (formerly Invitae), Labcorp and Ambry Genetics).